The following is an entry in ClinVar:

ClinVar aggregate classification (germline): Pathogenic. Review status: criteria provided, multiple submitters, no conflicts (2 of 4 stars). 2 submissions from 2 submitters: Pathogenic (2). Last evaluated 2024-03-19.

Conditions:
Succinate-semialdehyde dehydrogenase deficiency (SSADHD). Also called: 4-HYDROXYBUTYRIC ACIDURIA; GABA METABOLIC DEFECT; SSADH DEFICIENCY; Succinic Semialdehyde Dehydrogenase Deficiency. Identifiers: Orphanet 22, MedGen C0268631, MONDO:0010083, OMIM 271980.

Allele frequency attached by ClinVar (database versions not stated): gnomAD exomes below 0.00001; ExAC 0.00001.

Submissions (2):

Labcorp Genetics (formerly Invitae), Labcorp
Classification: Pathogenic for Succinate-semialdehyde dehydrogenase deficiency. Last evaluated: 2024-03-19. Review status: criteria provided, single submitter. Criteria: Invitae Variant Classification Sherloc (09022015). Collection method: clinical testing. Allele origin: germline.
Comment: This sequence change affects a donor splice site in intron 9 of the ALDH5A1 gene. While this variant is not anticipated to result in nonsense mediated decay, it likely alters RNA splicing and results in a disrupted protein product. This variant is present in population databases (rs762290992, gnomAD 0.0009%). Disruption of this splice site has been observed in individual(s) with clinical features of succinic semialdehyde dehydrogenase deficiency (PMID: 9683595; Invitae). ClinVar contains an entry for this variant (Variation ID: 838828). Variants that disrupt the consensus splice site are a relatively common cause of aberrant splicing (PMID: 17576681, 9536098). Algorithms developed to predict the effect of sequence changes on RNA splicing suggest that this variant may disrupt the consensus splice site. For these reasons, this variant has been classified as Pathogenic.

Foundation for Research in Genetics and Endocrinology, FRIGE's Institute of Human Genetics
Classification: Pathogenic for Succinate-semialdehyde dehydrogenase deficiency. Last evaluated: 2021-12-30. Review status: criteria provided, single submitter. Criteria: ACMG Guidelines, 2015. Collection method: clinical testing. Allele origin: germline. Inheritance: Autosomal recessive inheritance. Affected: yes. Observed: 1 homozygote.
Comment: A homozygous 5' splice site variation in intron 10 of the ALDH5A1 gene that affects the invariant GT donor splice site of exon 10 was detected. The observed variant c.1441+1G>A has not been reported in the 1000 genomes and gnomAD database respectively. The in silico prediction of the variant are damaging by MutationTaster2. The reference codon is conserved across species. In summary, the variant meets our criteria to be classified as a pathogenic variant.

Literature cited by the submitters: PubMed 9683595 (cited by Labcorp Genetics (formerly Invitae), Labcorp); PubMed 17576681 (cited by Labcorp Genetics (formerly Invitae), Labcorp); PubMed 9536098 (cited by Labcorp Genetics (formerly Invitae), Labcorp).

NM_001080.3(ALDH5A1):c.1402+1G>A

Gene: ALDH5A1 (aldehyde dehydrogenase 5 family member A1; plus strand). Cytogenetic location: 6p22.3.
Variant type: single nucleotide variant.
Coding change: c.1402+1G>A on transcript NM_001080.3 (MANE Select); the canonical splice donor site of the intron after coding-DNA position 1402, G replaced by A.
Molecular consequence: splice donor variant.
Genome position (GRCh38, 1-based): chr6:24,532,178, G>A. VCF-style: chr6-24532178-G-A. GRCh37 (hg19) VCF-style: chr6-24532406-G-A.
Other names: c.1441+1G>A (NM_170740.1); c.1258+1G>A (NM_001368954.1).
Identifiers: ClinVar variation 838828 (VCV000838828.14), dbSNP rs762290992, ClinGen allele CA3656934.